The following is an entry in ClinVar:

NM_014915.3(ANKRD26):c.2194G>C (p.Ala732Pro)

Gene: ANKRD26 (ankyrin repeat domain containing 26; minus strand). Cytogenetic location: 10p12.1.
Variant type: single nucleotide variant.
Coding change: c.2194G>C on transcript NM_014915.3 (MANE Select); coding-DNA position 2194, G replaced by C.
Protein change: p.Ala732Pro; replaces alanine 732 with proline.
Molecular consequence: missense variant.
Genome position (GRCh38, 1-based): chr10:27,040,146, C>G on the plus strand (G>C on the coding strand, the complement: ANKRD26 is on the minus strand). VCF-style: chr10-27040146-C-G. GRCh37 (hg19) VCF-style: chr10-27329075-C-G.
Other names: c.2191G>C, p.Ala731Pro (NM_001256053.2); short protein forms A731P, A732P.
Identifiers: ClinVar variation 4104558 (VCV004104558.1).

ClinVar aggregate classification (germline): Uncertain significance (1 of 4 stars; one submission).

Conditions:
Inborn genetic diseases. Identifiers: MedGen C0950123, MeSH D030342.

Submission:

Ambry Genetics
Classification: Uncertain significance for Inborn genetic diseases. Last evaluated: 2025-08-30. Review status: criteria provided, single submitter. Criteria: Ambry Variant Classification Scheme 2023. Collection method: clinical testing. Allele origin: germline.
Comment: The p.A732P variant (also known as c.2194G>C), located in coding exon 21 of the ANKRD26 gene, results from a G to C substitution at nucleotide position 2194. The alanine at codon 732 is replaced by proline, an amino acid with highly similar properties. This amino acid position is conserved. In addition, this alteration is predicted to be tolerated by in silico analysis. Based on the available evidence, the clinical significance of this variant remains unclear.